The following is an entry in ClinVar:

NM_001354930.2(RIPK1):c.1210G>T (p.Ala404Ser)

Gene: RIPK1 (receptor interacting serine/threonine kinase 1; plus strand). Cytogenetic location: 6p25.2.
Variant type: single nucleotide variant.
Coding change: c.1210G>T on transcript NM_001354930.2 (MANE Select); coding-DNA position 1210, G replaced by T.
Protein change: p.Ala404Ser; replaces alanine 404 with serine.
Molecular consequence: missense variant.
Genome position (GRCh38, 1-based): chr6:3,105,685, G>T. VCF-style: chr6-3105685-G-T. GRCh37 (hg19) VCF-style: chr6-3105919-G-T.
Other names: c.721G>T, p.Ala241Ser (NM_001317061.3, NM_001354932.2, NM_001354933.2 and 1 more transcripts); c.1072G>T, p.Ala358Ser (NM_001354931.2); c.1210G>T, p.Ala404Ser (NM_003804.6); short protein forms A358S, A241S, A404S.
Identifiers: ClinVar variation 1354746 (VCV001354746.9), dbSNP rs34872409, ClinGen allele CA3618396.
Genomic context (GRCh38, chr6:3,105,685, plus strand): 5'-TACCATCTTTATGGCAGCCGCATGGACAGGCAGACGAAACAGCAGCCCAGACAGAATGTG[G>T]CTTACAACAGAGAGGAGGAAAGGAGACGCAGGGTCTCCCATGACCCTTTTGCACAGCAAA-3'
Protein context (NP_001341859.1, residues 394-414): QTKQQPRQNV[Ala404Ser]YNREEERRRR

ClinVar aggregate classification (germline): Uncertain significance. Review status: criteria provided, multiple submitters, no conflicts (2 of 4 stars). 2 submissions from 2 submitters: Uncertain significance (2). Last evaluated 2025-01-08.

Allele frequency attached by ClinVar (database versions not stated): gnomAD 0.00001; gnomAD exomes 0.00001 and 0.00008; ExAC 0.00004; TOPMed 0.00005.
gnomAD v4.1: 22 of 1,614,052 alleles (0.0014%); highest among the groups gnomAD compares: East Asian, 0.049%; no homozygotes.

Submissions (2):

Labcorp Genetics (formerly Invitae), Labcorp
Classification: Uncertain significance. Last evaluated: 2025-01-08. Review status: criteria provided, single submitter. Criteria: Invitae Variant Classification Sherloc (09022015). Collection method: clinical testing. Allele origin: germline.
Comment: This sequence change replaces alanine, which is neutral and non-polar, with serine, which is neutral and polar, at codon 404 of the RIPK1 protein (p.Ala404Ser). This variant is present in population databases (rs34872409, gnomAD 0.1%). This variant has not been reported in the literature in individuals affected with RIPK1-related conditions. ClinVar contains an entry for this variant (Variation ID: 1354746). An algorithm developed to predict the effect of missense changes on protein structure and function (PolyPhen-2) suggests that this variant is likely to be tolerated. In summary, the available evidence is currently insufficient to determine the role of this variant in disease. Therefore, it has been classified as a Variant of Uncertain Significance.

Breakthrough Genomics
Classification: Uncertain significance. Review status: criteria provided, single submitter. Criteria: ACMG Guidelines, 2015. Collection method: not provided. Allele origin: germline. Inheritance: Autosomal recessive inheritance. Affected: yes.